The following is an entry in ClinVar:

ClinVar aggregate classification (germline): Likely benign (0 of 4 stars; one submission).

Conditions:
MUC16-related disorder. Also called: MUC16-related condition.

Submission:

PreventionGenetics, part of Exact Sciences
Classification: Likely benign for MUC16-related condition. Last evaluated: 2019-10-17. Review status: no assertion criteria provided. Collection method: clinical testing. Allele origin: germline.
Comment: This variant is classified as likely benign based on ACMG/AMP sequence variant interpretation guidelines (Richards et al. 2015 PMID: 25741868, with internal and published modifications).

NM_001401501.2(MUC16):c.43533C>T (p.Gly14511=)

Gene: MUC16 (mucin 16, cell surface associated; minus strand). Cytogenetic location: 19p13.2.
Variant type: single nucleotide variant.
Coding change: c.43533C>T on transcript NM_001401501.2 (MANE Select); coding-DNA position 43533, C replaced by T.
Protein change: p.Gly14511=; no amino-acid change (glycine 14511 retained).
Molecular consequence: synonymous variant.
Genome position (GRCh38, 1-based): chr19:8,886,739, G>A on the plus strand (C>T on the coding strand, the complement: MUC16 is on the minus strand). VCF-style: chr19-8886739-G-A. GRCh37 (hg19) VCF-style: chr19-8997415-G-A.
Other names: c.43959C>T, p.Gly14653= (NM_001414686.1); c.43413C>T, p.Gly14471= (NM_001414687.1); c.41007C>T, p.Gly13669= (NM_024690.2).
Identifiers: ClinVar variation 3055773 (VCV003055773.2), dbSNP rs796982770, ClinGen allele CA305064305.
Genomic context (GRCh38, chr19:8,886,739, plus strand): 5'-AGACAGGTGGAACTAGACAAGGTGAACTGGGCAGAGTGAGATGGGCGGGGCTCTTACCAG[G>A]CCCTGAAGGACCCTCTCCGTGGTGTTGAACTTCCTGGAGCCAGGGTGCTGCATGTTCTCC-3'
Protein context (NP_001388430.1, residues 14501-14521): KFNTTERVLQ[Gly14511=]LLRSLFKSTS